The following is an entry in ClinVar:

ClinVar aggregate classification (germline): Benign (1 of 4 stars; one submission).

Conditions:
Lynch syndrome 5 (LYNCH5). Also called: Colorectal cancer, hereditary nonpolyposis, type 5; Hereditary non-polyposis colorectal cancer, type 5. Identifiers: Orphanet 144, MedGen C1833477, MONDO:0013710, OMIM 614350. Disease mechanism: loss of function.

Submission:

Myriad Genetics, Inc.
Classification: Benign for Lynch syndrome 5. Last evaluated: 2024-12-26. Review status: criteria provided, single submitter. Criteria: Myriad Autosomal Dominant, Autosomal Recessive and X-Linked Classification Criteria (2023). Collection method: clinical testing. Allele origin: unknown.
Comment: This variant is considered benign. This variant is a silent/synonymous amino acid change and it is not expected to impact splicing.

NM_000179.3(MSH6):c.1431C>T (p.Gly477=)

Gene: MSH6 (mutS homolog 6; plus strand). Cytogenetic location: 2p16.3.
Variant type: single nucleotide variant.
Coding change: c.1431C>T on transcript NM_000179.3 (MANE Select); coding-DNA position 1431, C replaced by T.
Protein change: p.Gly477=; no amino-acid change (glycine 477 retained).
Molecular consequence: synonymous variant. On other transcripts: non-coding transcript variant (4), intron variant (1).
Genome position (GRCh38, 1-based): chr2:47,799,414, C>T. VCF-style: chr2-47799414-C-T. GRCh37 (hg19) VCF-style: chr2-48026553-C-T.
Other names: c.1041C>T, p.Gly347= (NM_001281492.2); c.525C>T, p.Gly175= (NM_001281493.2, NM_001281494.2, NM_001406811.1 and 6 more transcripts); c.1527C>T, p.Gly509= (NM_001406795.1, NM_001406802.1); c.1431C>T, p.Gly477= (NM_001406796.1, NM_001406798.1, NM_001406800.1 and 4 more transcripts); c.1134C>T, p.Gly378= (NM_001406797.1, NM_001406801.1, NM_001406805.1 and 10 more transcripts); c.906C>T, p.Gly302= (NM_001406799.1, NM_001406806.1, NM_001406807.1); c.1353C>T, p.Gly451= (NM_001406804.1); c.1437C>T, p.Gly479= (NM_001406813.1); and 2 more.
Identifiers: ClinVar variation 3904709 (VCV003904709.1).
Genomic context (GRCh38, chr2:47,799,414, plus strand): 5'-CCATTCTGGCTTTCCTGAAATTGCATTTGGCCGTTATTCAGATTCCCTGGTGCAGAAGGG[C>T]TATAAAGTAGCACGAGTGGAACAGACTGAGACTCCAGAAATGATGGAGGCACGATGTAGA-3'
Protein context (NP_000170.1, residues 467-487): GRYSDSLVQK[Gly477=]YKVARVEQTE